The following is an entry in ClinVar:

ClinVar aggregate classification (germline): Uncertain significance. Review status: criteria provided, multiple submitters, no conflicts (2 of 4 stars). 2 submissions from 2 submitters: Uncertain significance (2). Last evaluated 2022-11-18.

Conditions:
Intellectual disability, autosomal dominant 15 (CSS3). Also called: COFFIN-SIRIS SYNDROME 3. Identifiers: Orphanet 1465, MedGen C3553248, MONDO:0013820, OMIM 614608.
SMARCB1-related disorder. Also called: SMARCB1-related disorders; SMARCB1-related condition.

Submissions (2):

PreventionGenetics, part of Exact Sciences
Classification: Uncertain significance for SMARCB1-related condition. Last evaluated: 2022-11-18. Review status: criteria provided, single submitter. Criteria: ACMG Guidelines, 2015. Collection method: clinical testing. Allele origin: germline.
Comment: The SMARCB1 c.487A>G variant is predicted to result in the amino acid substitution p.Thr163Ala. To our knowledge, this variant has not been reported in the literature or in a large population database, indicating this variant is rare. At this time, the clinical significance of this variant is uncertain due to the absence of conclusive functional and genetic evidence.

Baylor Genetics
Classification: Uncertain significance for Intellectual disability, autosomal dominant 15. Last evaluated: 2020-07-16. Review status: criteria provided, single submitter. Criteria: ACMG Guidelines, 2015. Collection method: clinical testing. Allele origin: unknown. Affected: yes.
Comment: This variant was determined to be of uncertain significance according to ACMG Guidelines, 2015 [PMID:25741868].

NM_003073.5(SMARCB1):c.487A>G (p.Thr163Ala)

Gene: SMARCB1 (SWI/SNF related BAF chromatin remodeling complex subunit B1; plus strand). Cytogenetic location: 22q11.23.
Variant type: single nucleotide variant.
Coding change: c.487A>G on transcript NM_003073.5 (MANE Select); coding-DNA position 487, A replaced by G.
Protein change: p.Thr163Ala; replaces threonine 163 with alanine.
Molecular consequence: missense variant.
Genome position (GRCh38, 1-based): chr22:23,801,068, A>G. VCF-style: chr22-23801068-A-G. GRCh37 (hg19) VCF-style: chr22-24143255-A-G.
Other names: c.460A>G, p.Thr154Ala (NM_001007468.3, NM_001317946.2); c.487A>G, p.Thr163Ala (NM_001362877.2); c.487A>G (NM_003073.4); short protein forms T154A, T163A.
Identifiers: ClinVar variation 1029504 (VCV001029504.2), dbSNP rs1929117173, ClinGen allele CA410934565.